The following is an entry in ClinVar:

NM_144670.6(A2ML1):c.920C>T (p.Ala307Val)

Gene: A2ML1 (alpha-2-macroglobulin like 1; plus strand). Cytogenetic location: 12p13.31.
Variant type: single nucleotide variant.
Coding change: c.920C>T on transcript NM_144670.6 (MANE Select); coding-DNA position 920, C replaced by T.
Protein change: p.Ala307Val; replaces alanine 307 with valine.
Molecular consequence: missense variant.
Genome position (GRCh38, 1-based): chr12:8,838,400, C>T. VCF-style: chr12-8838400-C-T. GRCh37 (hg19) VCF-style: chr12-8990996-C-T.
Other names: c.920C>T (NM_144670.3); short protein forms A307V.
Identifiers: ClinVar variation 660771 (VCV000660771.9), dbSNP rs189848036, ClinGen allele CA6435476.

ClinVar aggregate classification (germline): Uncertain significance. Review status: criteria provided, multiple submitters, no conflicts (2 of 4 stars). 2 submissions from 2 submitters: Uncertain significance (2). Last evaluated 2025-11-07.

Allele frequency attached by ClinVar (database versions not stated): gnomAD 0.00002 and 0.00003; gnomAD exomes 0.00002 and 0.00008; ExAC 0.00004; TOPMed 0.00004; 1000 Genomes Project 0.00020; 1000 Genomes Project 30x 0.00031.
gnomAD v4.1: 36 of 1,613,874 alleles (0.0022%); highest among the groups gnomAD compares: Admixed American, 0.045%; no homozygotes.

Submissions (2):

Ambry Genetics
Classification: Uncertain significance. Last evaluated: 2025-11-07. Review status: criteria provided, single submitter. Criteria: Ambry Variant Classification Scheme 2023. Collection method: clinical testing. Allele origin: germline.
Comment: The p.A307V variant (also known as c.920C>T), located in coding exon 9 of the A2ML1 gene, results from a C to T substitution at nucleotide position 920. The alanine at codon 307 is replaced by valine, an amino acid with similar properties. This amino acid position is conserved. In addition, this alteration is predicted to be tolerated by in silico analysis. Since supporting evidence is limited at this time, the clinical significance of this alteration remains unclear.

Labcorp Genetics (formerly Invitae), Labcorp
Classification: Uncertain significance. Last evaluated: 2025-10-01. Review status: criteria provided, single submitter. Criteria: Invitae Variant Classification Sherloc (09022015). Collection method: clinical testing. Allele origin: germline.
Comment: This sequence change replaces alanine, which is neutral and non-polar, with valine, which is neutral and non-polar, at codon 307 of the A2ML1 protein (p.Ala307Val). This variant is present in population databases (rs189848036, gnomAD 0.06%), and has an allele count higher than expected for a pathogenic variant. This variant has not been reported in the literature in individuals affected with A2ML1-related conditions. ClinVar contains an entry for this variant (Variation ID: 660771). An algorithm developed to predict the effect of missense changes on protein structure and function (PolyPhen-2) suggests that this variant is likely to be tolerated. In summary, the available evidence is currently insufficient to determine the role of this variant in disease. Therefore, it has been classified as a Variant of Uncertain Significance.